The following is an entry in ClinVar:

ClinVar aggregate classification (germline): Likely pathogenic (1 of 4 stars; one submission).

Conditions:
Autosomal recessive polycystic kidney disease (ARPKD). Also called: AR polycystic kidney disease. Identifiers: Orphanet 731, Orphanet 8378, MedGen C0085548, MeSH D017044, MONDO:0009889.

Submission:

Natera, Inc.
Classification: Likely pathogenic for Autosomal recessive polycystic kidney disease. Last evaluated: 2024-05-15. Review status: criteria provided, single submitter. Criteria: Natera Variant Classification Schema (03/2026). Collection method: clinical testing. Allele origin: germline.
Comment: The c.3066_3068delinsA variant in PKHD1 is a frameshift variant predicted to shift the reading frame beginning at codon 1022 and leads to a stop codon 21 codons downstream. This variant is expected to result in nonsense mediated decay, truncation, or a dysfunctional protein product. This variant is rare in the general population with a frequency below the threshold expected for the associated phenotype(s). Given the available evidence, this variant is classified as Likely Pathogenic.

NM_138694.4(PKHD1):c.3066_3068delinsA (p.Asp1022fs)

Gene: PKHD1 (PKHD1 ciliary IPT domain containing fibrocystin/polyductin; minus strand). Cytogenetic location: 6p12.2.
Variant type: Indel.
Coding change: c.3066_3068delinsA on transcript NM_138694.4 (MANE Select); coding-DNA positions 3066 to 3068, TAT replaced by A.
Protein change: p.Asp1022fs; shifts the reading frame from aspartic acid 1022.
Molecular consequence: frameshift variant.
Genome position (GRCh38, 1-based): chr6:52,042,888-52,042,890, ATA replaced by T on the plus strand (TAT replaced by A on the coding strand, the reverse complement: PKHD1 is on the minus strand). VCF-style: chr6-52042888-ATA-T. GRCh37 (hg19) VCF-style: chr6-51907686-ATA-T.
Other names: c.3066_3068delinsA, p.Asp1022fs (NM_170724.3); short protein forms D1022fs.
Identifiers: ClinVar variation 4816624 (VCV004816624.1).